The following is an entry in ClinVar:

ClinVar aggregate classification (germline): Uncertain significance (1 of 4 stars; one submission).

Conditions:
Leigh syndrome (NULS). Also called: Leigh's necrotizing encephalopathy; Leigh's disease; Leigh Syndrome (mtDNA deletion); Leigh Disease; Subacute necrotizing encephalopathy; Necrotizing encephalopathy infantile subacute of Leigh. Identifiers: Orphanet 506, MedGen C2931891, MONDO:0009723, OMIM 256000.

Submission:

Wong Mito Lab, Molecular and Human Genetics, Baylor College of Medicine
Classification: Uncertain significance for Leigh syndrome. Last evaluated: 2019-10-17. Review status: criteria provided, single submitter. Criteria: Modified ACMG Guidelines (Unpublished). Collection method: clinical testing. Allele origin: germline.
Comment: The NC_012920.1:m.6324G>A (YP_003024028.1:p.Ala141Thr) variant in MTCO1 gene is interpretated to be a Uncertain Significance variant based on the modified ACMG guidelines (unpublished). This variant meets the following evidence codes: PP3

NC_012920.1(MT-CO1):m.6324G>A

Gene: MT-CO1 (mitochondrially encoded cytochrome c oxidase I; plus strand).
Variant type: single nucleotide variant.
Genome position: chrM-6324-G-A.
Identifiers: ClinVar variation 692639 (VCV000692639.1), dbSNP rs1603220417, ClinGen allele CA414783234.